The following is an entry in ClinVar:

ClinVar aggregate classification (germline): Uncertain significance. Review status: criteria provided, multiple submitters, no conflicts (2 of 4 stars). 2 submissions from 2 submitters: Uncertain significance (2). Last evaluated 2024-08-06.

Conditions:
Autosomal recessive limb-girdle muscular dystrophy type 2W (MDRCMTT). Also called: Muscular dystrophy, autosomal recessive, with cardiomyopathy and triangular tongue; Muscular dystrophy, limb-girdle, type 2W. Identifiers: MedGen C4225192, MONDO:0014788, OMIM 616827.

Allele frequency attached by ClinVar (database versions not stated): gnomAD exomes 0.00003; gnomAD 0.00004; TOPMed 0.00005; ExAC 0.00003.
gnomAD v4.1: 152 of 1,614,012 alleles (0.0094%); highest among the groups gnomAD compares: Non-Finnish European, 0.012%; no homozygotes.

Submissions (2):

Labcorp Genetics (formerly Invitae), Labcorp
Classification: Uncertain significance for Autosomal recessive limb-girdle muscular dystrophy type 2W. Last evaluated: 2024-08-06. Review status: criteria provided, single submitter. Criteria: Invitae Variant Classification Sherloc (09022015). Collection method: clinical testing. Allele origin: germline.
Comment: This sequence change replaces proline, which is neutral and non-polar, with leucine, which is neutral and non-polar, at codon 119 of the LIMS2 protein (p.Pro119Leu). This variant is present in population databases (rs768056213, gnomAD 0.005%). This missense change has been observed in individual(s) with autosomal recessive limb-girdle muscular dystrophy (PMID: 25589244). This variant is also known as c.356C>T, p.P119L in NM_001136037.2. ClinVar contains an entry for this variant (Variation ID: 242437). Advanced modeling of protein sequence and biophysical properties (such as structural, functional, and spatial information, amino acid conservation, physicochemical variation, residue mobility, and thermodynamic stability) performed at Invitae indicates that this missense variant is not expected to disrupt LIMS2 protein function with a negative predictive value of 80%. In summary, the available evidence is currently insufficient to determine the role of this variant in disease. Therefore, it has been classified as a Variant of Uncertain Significance.

Revvity Omics, Revvity
Classification: Uncertain significance for Autosomal recessive limb-girdle muscular dystrophy type 2W. Last evaluated: 2022-04-12. Review status: criteria provided, single submitter. Criteria: ACMG Guidelines, 2015. Collection method: clinical testing. Allele origin: germline.

Literature cited by the submitters: PubMed 25589244 (cited by Labcorp Genetics (formerly Invitae), Labcorp).

NM_001161403.3(LIMS2):c.290C>T (p.Pro97Leu)

Gene: LIMS2 (LIM zinc finger domain containing 2; minus strand). Cytogenetic location: 2q14.3.
Variant type: single nucleotide variant.
Coding change: c.290C>T on transcript NM_001161403.3 (MANE Select); coding-DNA position 290, C replaced by T.
Protein change: p.Pro97Leu; replaces proline 97 with leucine.
Molecular consequence: missense variant.
Genome position (GRCh38, 1-based): chr2:127,654,493, G>A on the plus strand (C>T on the coding strand, the complement: LIMS2 is on the minus strand). VCF-style: chr2-127654493-G-A. GRCh37 (hg19) VCF-style: chr2-128412067-G-A.
Other names: c.356C>T (NM_001136037.3); c.356C>T, p.Pro119Leu (NM_001136037.4); c.275C>T, p.Pro92Leu (NM_001161404.2); c.362C>T, p.Pro121Leu (NM_017980.5); short protein forms P119L, P92L, P121L, P97L.
Identifiers: ClinVar variation 242437 (VCV000242437.13), dbSNP rs768056213, ClinGen allele CA088854.
Genomic context (GRCh38, chr2:127,654,493, plus strand): 5'-TTCTTCACAAAGCCCAGGTCAGCCAGCTCCACATCACACAGCTCGCAGCGGAAGCAGCCC[G>A]GGTGCCAGTTGTTGTTCATGGCCTTGATGACGCGGCCAATGATGAACTCACCTGGAAGAA-3'
Protein context (NP_001154875.1, residues 87-107): VIKAMNNNWH[Pro97Leu]GCFRCELCDV